The following is an entry in ClinVar:

NM_001904.4(CTNNB1):c.1246G>A (p.Val416Met)

Genes: CTNNB1 (catenin beta 1; plus strand), LOC126806659 (BRD4-independent group 4 enhancer GRCh37_chr3:41274918-41276117; plus strand). Cytogenetic location: 3p22.1.
Variant type: single nucleotide variant.
Coding change: c.1246G>A on transcript NM_001904.4 (MANE Select); coding-DNA position 1246, G replaced by A.
Protein change: p.Val416Met; replaces valine 416 with methionine.
Molecular consequence: missense variant.
Genome position (GRCh38, 1-based): chr3:41,233,589, G>A. VCF-style: chr3-41233589-G-A. GRCh37 (hg19) VCF-style: chr3-41275080-G-A.
Other names: c.1246G>A, p.Val416Met (NM_001098210.2, NM_001098209.2); c.1225G>A, p.Val409Met (NM_001330729.2); c.1246G>A (NM_001904.3); short protein forms V416M, V409M.
Identifiers: ClinVar variation 2816379 (VCV002816379.5), dbSNP rs2078361436, ClinGen allele CA352232685.

ClinVar aggregate classification (germline): Uncertain significance. Review status: criteria provided, multiple submitters, no conflicts (2 of 4 stars). 2 submissions from 2 submitters: Uncertain significance (2). Last evaluated 2025-10-03.

Conditions:
Inborn genetic diseases. Identifiers: MedGen C0950123, MeSH D030342.

Submissions (2):

Ambry Genetics
Classification: Uncertain significance for Inborn genetic diseases. Last evaluated: 2025-10-03. Review status: criteria provided, single submitter. Criteria: Ambry Variant Classification Scheme 2023. Collection method: clinical testing. Allele origin: germline.
Comment: The c.1246G>A (p.V416M) alteration is located in exon 9 (coding exon 8) of the CTNNB1 gene. This alteration results from a G to A substitution at nucleotide position 1246, causing the valine (V) at amino acid position 416 to be replaced by a methionine (M). This variant was not reported in population-based cohorts in the Genome Aggregation Database (gnomAD). This amino acid position is highly conserved in available vertebrate species. This alteration is predicted to be deleterious by in silico analysis. Based on insufficient or conflicting evidence, the clinical significance of this alteration remains unclear.

Labcorp Genetics (formerly Invitae), Labcorp
Classification: Uncertain significance. Last evaluated: 2022-11-24. Review status: criteria provided, single submitter. Criteria: Invitae Variant Classification Sherloc (09022015). Collection method: clinical testing. Allele origin: germline.
Comment: This variant is not present in population databases (gnomAD no frequency). This sequence change replaces valine, which is neutral and non-polar, with methionine, which is neutral and non-polar, at codon 416 of the CTNNB1 protein (p.Val416Met). This variant has not been reported in the literature in individuals affected with CTNNB1-related conditions. Advanced modeling of protein sequence and biophysical properties (such as structural, functional, and spatial information, amino acid conservation, physicochemical variation, residue mobility, and thermodynamic stability) performed at Invitae indicates that this missense variant is not expected to disrupt CTNNB1 protein function. In summary, the available evidence is currently insufficient to determine the role of this variant in disease. Therefore, it has been classified as a Variant of Uncertain Significance.